The following is an entry in ClinVar:

ClinVar aggregate classification (germline): Benign. Review status: criteria provided, multiple submitters, no conflicts (2 of 4 stars). 2 submissions from 2 submitters: Benign (2). Last evaluated 2018-06-14.

Allele frequency attached by ClinVar (database versions not stated): TOPMed 0.66400; gnomAD 0.66537 and 0.66955; 1000 Genomes Project 30x 0.71268; 1000 Genomes Project 0.72125.
gnomAD v4.1: 101,876 of 152,096 alleles (67%); highest among the groups gnomAD compares: East Asian, 95%; 34,590 homozygotes.

Submissions (2):

GeneDx
Classification: Benign. Last evaluated: 2018-06-14. Review status: criteria provided, single submitter. Criteria: GeneDx Variant Classification (06012015). Collection method: clinical testing. Allele origin: germline. Affected: yes.
Comment: This variant is considered likely benign or benign based on one or more of the following criteria: it is a conservative change, it occurs at a poorly conserved position in the protein, it is predicted to be benign by multiple in silico algorithms, and/or has population frequency not consistent with disease.

Breakthrough Genomics
Classification: Benign. Review status: criteria provided, single submitter. Criteria: ACMG Guidelines, 2015. Collection method: not provided. Allele origin: germline. Inheritance: Autosomal dominant inheritance. Affected: yes.

NM_001018005.2(TPM1):c.374+247C>T

Gene: TPM1 (tropomyosin 1; plus strand). Cytogenetic location: 15q22.2.
Variant type: single nucleotide variant.
Coding change: c.374+247C>T on transcript NM_001018005.2 (MANE Select); 247 bases into the intron after coding-DNA position 374, C replaced by T.
Molecular consequence: intron variant.
Genome position (GRCh38, 1-based): chr15:63,057,365, C>T. VCF-style: chr15-63057365-C-T. GRCh37 (hg19) VCF-style: chr15-63349564-C-T.
Other names: c.500+247C>T (NM_001365778.1); c.374+247C>T (NM_001018020.2, NM_001018007.2, NM_001018006.2 and 6 more transcripts); c.266+247C>T (NM_001330351.2, NM_001330344.2, NM_001018008.2 and 5 more transcripts).
Identifiers: ClinVar variation 678622 (VCV000678622.2), dbSNP rs7173072, ClinGen allele CA15850051.